The following is an entry in ClinVar:

NM_016247.4(IMPG2):c.2372A>G (p.Glu791Gly)

Gene: IMPG2 (interphotoreceptor matrix proteoglycan 2; minus strand). Cytogenetic location: 3q12.3.
Variant type: single nucleotide variant.
Coding change: c.2372A>G on transcript NM_016247.4 (MANE Select); coding-DNA position 2372, A replaced by G.
Protein change: p.Glu791Gly; replaces glutamic acid 791 with glycine.
Molecular consequence: missense variant.
Genome position (GRCh38, 1-based): chr3:101,243,959, T>C on the plus strand (A>G on the coding strand, the complement: IMPG2 is on the minus strand). VCF-style: chr3-101243959-T-C. GRCh37 (hg19) VCF-style: chr3-100962803-T-C.
Other names: short protein forms E791G.
Identifiers: ClinVar variation 194254 (VCV000194254.18), dbSNP rs752321097, ClinGen allele CA240129.

ClinVar aggregate classification (germline): Uncertain significance. Review status: criteria provided, multiple submitters, no conflicts (2 of 4 stars). 4 submissions from 4 submitters: Uncertain significance (4). Last evaluated 2022-01-13.

Conditions:
Retinitis pigmentosa (RP). Identifiers: Orphanet 791, MedGen C0035334, MeSH D012174, MONDO:0019200, OMIM 268000. Inheritance: Autosomal dominant, autosomal recessive and X linked inheritance.

Allele frequency attached by ClinVar (database versions not stated): gnomAD exomes below 0.00001 and 0.00001; ExAC 0.00001; gnomAD 0.00003; TOPMed 0.00003.
gnomAD v4.1: 8 of 1,614,074 alleles (0.0005%); highest among the groups gnomAD compares: African/African-American, 0.011%; no homozygotes.

Submissions (4):

Labcorp Genetics (formerly Invitae), Labcorp
Classification: Uncertain significance. Last evaluated: 2022-01-13. Review status: criteria provided, single submitter. Criteria: Invitae Variant Classification Sherloc (09022015). Collection method: clinical testing. Allele origin: germline.
Comment: In summary, the available evidence is currently insufficient to determine the role of this variant in disease. Therefore, it has been classified as a Variant of Uncertain Significance. Algorithms developed to predict the effect of missense changes on protein structure and function output the following: SIFT: "Tolerated"; PolyPhen-2: "Benign"; Align-GVGD: "Class C0". The glycine amino acid residue is found in multiple mammalian species, which suggests that this missense change does not adversely affect protein function. ClinVar contains an entry for this variant (Variation ID: 194254). This variant has not been reported in the literature in individuals affected with IMPG2-related conditions. This variant is present in population databases (rs752321097, gnomAD 0.02%). This sequence change replaces glutamic acid, which is acidic and polar, with glycine, which is neutral and non-polar, at codon 791 of the IMPG2 protein (p.Glu791Gly).

Blueprint Genetics
Classification: Uncertain significance. Last evaluated: 2021-12-03. Review status: criteria provided, single submitter. Criteria: ACMG Guidelines, 2015. Collection method: clinical testing. Allele origin: germline.

Illumina Laboratory Services, Illumina
Classification: Uncertain significance for Retinitis pigmentosa. Last evaluated: 2018-01-13. Review status: criteria provided, single submitter. Criteria: ICSL Variant Classification Criteria 13 December 2019. Collection method: clinical testing. Allele origin: germline.

Eurofins Ntd Llc (ga)
Classification: Uncertain significance. Last evaluated: 2015-02-24. Review status: criteria provided, single submitter. Criteria: EGL Classification Definitions 2015. Collection method: clinical testing. Allele origin: germline. Observed: 1 variant allele, 1 heterozygote.